The following is an entry in ClinVar:

NM_020944.3(GBA2):c.1410-1G>A

Gene: GBA2 (glucosylceramidase beta 2; minus strand). Cytogenetic location: 9p13.3.
Variant type: single nucleotide variant.
Coding change: c.1410-1G>A on transcript NM_020944.3 (MANE Select); the canonical splice acceptor site of the intron before coding-DNA position 1410, G replaced by A.
Molecular consequence: splice acceptor variant.
Genome position (GRCh38, 1-based): chr9:35,739,801, C>T on the plus strand (G>A on the coding strand, the complement: GBA2 is on the minus strand). VCF-style: chr9-35739801-C-T. GRCh37 (hg19) VCF-style: chr9-35739798-C-T.
Other names: c.1410-1G>A (NM_001330660.2).
Identifiers: ClinVar variation 4849435 (VCV004849435.1).
Genomic context (GRCh38, chr9:35,739,801, plus strand): 5'-CCATCAGCCAGGAAGTATAGTTCATTGAACAGCGCAGATTTGTACCAGGCAGGCAGTGAT[C>T]TGGGAAGCGAGGAGGAGGAAATGGTTTAAGGAACATGTACCTCCCAAGATGGAAAGGATT-3'

ClinVar aggregate classification (germline): Likely pathogenic (1 of 4 stars; one submission).

Conditions:
Hereditary spastic paraplegia 46. Also called: Spastic paraplegia 46, autosomal recessive. Identifiers: Orphanet 320391, MedGen C2828721, MONDO:0013737, OMIM 614409.

Submission:

First Genomix Gene Laboratory, Genetic Diagnostics Department
Classification: Likely pathogenic for Hereditary spastic paraplegia 46. Last evaluated: 2025-06-04. Review status: criteria provided, single submitter. Criteria: ACMG Guidelines, 2015. Collection method: clinical testing. Allele origin: germline. Inheritance: Autosomal recessive inheritance. Affected: no. Observed: 1 variant allele.